The following is an entry in ClinVar:

NM_000057.4(BLM):c.1326T>G (p.Asp442Glu)

Gene: BLM (BLM RecQ like helicase; plus strand). Cytogenetic location: 15q26.1.
Variant type: single nucleotide variant.
Coding change: c.1326T>G on transcript NM_000057.4 (MANE Select); coding-DNA position 1326, T replaced by G.
Protein change: p.Asp442Glu; replaces aspartic acid 442 with glutamic acid.
Molecular consequence: missense variant.
Genome position (GRCh38, 1-based): chr15:90,760,699, T>G. VCF-style: chr15-90760699-T-G. GRCh37 (hg19) VCF-style: chr15-91303929-T-G.
Other names: c.1326T>G, p.Asp442Glu (NM_001287246.2, NM_001287247.2); c.201T>G, p.Asp67Glu (NM_001287248.2); short protein forms D442E, D67E.
Identifiers: ClinVar variation 4063906 (VCV004063906.2).

ClinVar aggregate classification (germline): Uncertain significance. Review status: criteria provided, single submitter (1 of 4 stars). 2 submissions from 2 submitters: Uncertain significance (1). 1 of the submissions does not count toward it. Last evaluated 2025-10-15.

Conditions:
Bloom syndrome (BLM). Also called: Bloom-Torre-Machacek syndrome. Identifiers: Orphanet 125, MedGen C0005859, MONDO:0008876, OMIM 210900.

Submissions (2):

Labcorp Genetics (formerly Invitae), Labcorp
Classification: Uncertain significance for Bloom syndrome. Last evaluated: 2025-10-15. Review status: criteria provided, single submitter. Criteria: Invitae Variant Classification Sherloc (09022015). Collection method: clinical testing. Allele origin: germline.
Comment: This sequence change replaces aspartic acid, which is acidic and polar, with glutamic acid, which is acidic and polar, at codon 442 of the BLM protein (p.Asp442Glu). RNA analysis indicates that this missense change induces altered splicing and likely results in the loss of 187 amino acid residue(s), but is expected to preserve the integrity of the reading-frame. This variant is not present in population databases (gnomAD no frequency). This variant has not been reported in the literature in individuals affected with BLM-related conditions. ClinVar contains an entry for this variant (Variation ID: 4063906). Invitae Evidence Modeling of protein sequence and biophysical properties (such as structural, functional, and spatial information, amino acid conservation, physicochemical variation, residue mobility, and thermodynamic stability) indicates that this missense variant is not expected to disrupt BLM protein function with a negative predictive value of 80%. Studies have shown that this missense change results in the activation of a cryptic splice site in exon 7 (internal data). In summary, the available evidence is currently insufficient to determine the role of this variant in disease. Therefore, it has been classified as a Variant of Uncertain Significance.

Natera, Inc.
Classification: Uncertain significance for Bloom syndrome. Last evaluated: 2025-01-10. Review status: no assertion criteria provided. Collection method: clinical testing. Allele origin: germline. Not counted in ClinVar's aggregate classification.